The following is an entry in ClinVar:

NM_003289.4(TPM2):c.773-5C>G

Gene: TPM2 (tropomyosin 2; minus strand). Cytogenetic location: 9p13.3.
Variant type: single nucleotide variant.
Coding change: c.773-5C>G on transcript NM_003289.4 (MANE Select); 5 bases into the intron before coding-DNA position 773, C replaced by G.
Molecular consequence: intron variant.
Genome position (GRCh38, 1-based): chr9:35,683,246, G>C on the plus strand (C>G on the coding strand, the complement: TPM2 is on the minus strand). VCF-style: chr9-35683246-G-C. GRCh37 (hg19) VCF-style: chr9-35683243-G-C.
Other names: c.772+1000C>G (NM_213674.1, NM_001301226.2); c.773-5C>G (NM_001301227.2).
Identifiers: ClinVar variation 1028593 (VCV001028593.3), dbSNP rs1230541017, ClinGen allele CA588145246.
Genomic context (GRCh38, chr9:35,683,246, plus strand): 5'-GTTGTCCAGTTCCTCGCTAATGGCCTTGTACTTCATCTTCTGGGCATAGACTTCATCTGG[G>C]GGGGGTCCAGGGAGGGGACCAGGTGGGAGTGTGGGAAAGGGAGTGGAGGGAAAGAGGAAA-3'

ClinVar aggregate classification (germline): Uncertain significance. Review status: criteria provided, multiple submitters, no conflicts (2 of 4 stars). 2 submissions from 2 submitters: Uncertain significance (2). Last evaluated 2025-12-30.

Conditions:
Congenital myopathy 23 (CMYO23). Also called: NEMALINE MYOPATHY 4; CAP MYOPATHY 2; Nemaline myopathy 4, autosomal dominant. Identifiers: MedGen C1836447, MONDO:0012240, OMIM 609285.

gnomAD v4.1: 3 of 1,552,530 alleles (0.00019%); highest among the groups gnomAD compares: South Asian, 0.0024%; no homozygotes.

Submissions (2):

Dasa
Classification: Uncertain significance. Last evaluated: 2025-12-30. Review status: criteria provided, single submitter. Criteria: DASA Assertion Criteria. Collection method: clinical testing. Allele origin: germline.
Comment: NM_003289.4(TPM2):c.773-5C>G is a splice-region variant. This variant is rare in population databases. Computational prediction algorithms are consistent with a benign effect. The currently available literature and clinical evidence are not sufficient to establish a definitive association between this variant and the reported condition. Therefore, this variant is classified as a variant of uncertain significance.

Baylor Genetics
Classification: Uncertain significance for Congenital myopathy 23. Last evaluated: 2019-01-15. Review status: criteria provided, single submitter. Criteria: ACMG Guidelines, 2015. Collection method: clinical testing. Allele origin: paternal. Affected: yes.
Comment: This variant was determined to be of uncertain significance according to ACMG Guidelines, 2015 [PMID:25741868].